The following is an entry in ClinVar:

ClinVar aggregate classification (germline): Conflicting classifications of pathogenicity. Review status: criteria provided, conflicting classifications (1 of 4 stars). 8 submissions from 8 submitters: Pathogenic (2); Likely pathogenic (4); Uncertain significance (1). 1 of the submissions does not count toward it. Last evaluated 2026-09-14.

Conditions:
KLHL7-related disorder. Also called: KLHL7-related condition; KLHL7-related disorders.
Retinal dystrophy. Also called: Inherited retinal dystrophy. Identifiers: Orphanet 71862, MedGen C0854723, MeSH D058499, MONDO:0019118, HP:0000556.
Retinitis pigmentosa (RP). Identifiers: Orphanet 791, MedGen C0035334, MeSH D012174, MONDO:0019200, OMIM 268000. Inheritance: Autosomal dominant, autosomal recessive and X linked inheritance.
Retinitis pigmentosa 42 (RP42). Identifiers: Orphanet 791, MedGen C2751986, MONDO:0013052, OMIM 612943.

Allele frequency attached by ClinVar (database versions not stated): TOPMed below 0.00001.

Submissions (8):

PreventionGenetics, part of Exact Sciences
Classification: Pathogenic for KLHL7-related condition. Last evaluated: 2026-09-14. Review status: criteria provided, single submitter. Criteria: ACMG Guidelines, 2015. Collection method: clinical testing. Allele origin: germline.
Comment: The KLHL7 c.433A>G variant is predicted to result in the amino acid substitution p.Asn145Asp. This variant has been reported in the heterozygous state in individuals with autosomal dominant retinitis pigmentosa or inherited retinal disease (see for examples: Table S2, Carss et al. 2017. PubMed ID: 28041643; Table S1, Weisschuh et al. 2020. PubMed ID: 32531858; Table S1, Lin et al. 2024. PubMed ID: 38219857). This variant is absent in a large population database (gnomAD), indicating this variant is rare. This variant is interpreted as pathogenic for autosomal dominant disease.

Labcorp Genetics (formerly Invitae), Labcorp
Classification: Pathogenic. Last evaluated: 2025-06-10. Review status: criteria provided, single submitter. Criteria: Invitae Variant Classification Sherloc (09022015). Collection method: clinical testing. Allele origin: germline.
Comment: This sequence change replaces asparagine, which is neutral and polar, with aspartic acid, which is acidic and polar, at codon 145 of the KLHL7 protein (p.Asn145Asp). This variant is not present in population databases (gnomAD no frequency). This missense change has been observed in individuals with autosomal dominant retinitis pigmentosa (PMID: 28041643, 31856884; internal data). ClinVar contains an entry for this variant (Variation ID: 438051). An algorithm developed to predict the effect of missense changes on protein structure and function (PolyPhen-2) suggests that this variant is likely to be disruptive. This variant disrupts the p.Asn145 amino acid residue in KLHL7. Other variant(s) that disrupt this residue have been determined to be pathogenic (PMID: 31856884). This suggests that this residue is clinically significant, and that variants that disrupt this residue are likely to be disease-causing. For these reasons, this variant has been classified as Pathogenic.

Dasa
Classification: Likely pathogenic. Last evaluated: 2024-07-03. Review status: criteria provided, single submitter. Criteria: DASA Assertion Criteria. Collection method: clinical testing. Allele origin: germline.
Comment: NM_001031710.3(KLHL7):c.433A>G (p.Asn145Asp) is a missense variant that results in the substitution of asparagine with aspartic acid. The affected residue or protein region has prior evidence supporting clinical relevance. This variant has been recurrently observed in individuals with KLHL7-related disorders (PMID: 31856884; PMID: 28041643). Also, this variant is absent from population databases. Computational evidence supports a deleterious effect. Based on the currently available evidence, this variant is classified as likely pathogenic.

GeneDx
Classification: Likely pathogenic. Last evaluated: 2022-08-11. Review status: criteria provided, single submitter. Criteria: GeneDx Variant Classification Process June 2021. Collection method: clinical testing. Allele origin: germline. Affected: yes.
Comment: Not observed at significant frequency in large population cohorts (gnomAD); In silico analysis supports that this missense variant has a deleterious effect on protein structure/function; This variant is associated with the following publications: (PMID: 32581362, 31856884, 28041643, 31049658, 32531858)

Blueprint Genetics
Classification: Likely pathogenic for KLHL7-related disorders. Last evaluated: 2022-02-15. Review status: criteria provided, single submitter. Criteria: ACMG Guidelines, 2015. Collection method: clinical testing. Allele origin: germline. Affected: yes. Observed: 4 variant alleles.

Ocular Genomics Institute, Massachusetts Eye and Ear
Classification: Uncertain significance for Retinitis pigmentosa 42. Last evaluated: 2021-04-08. Review status: criteria provided, single submitter. Criteria: ACMG Guidelines, 2015. Collection method: research. Allele origin: germline. Affected: yes.
Comment: Through a review of available evidence we were able to apply the following criteria: PM2, PM1, PP3. Based on this evidence we have classified this variant as Variant of Uncertain Significance.

Institute of Human Genetics, Univ. Regensburg, Univ. Regensburg
Classification: Likely pathogenic for Retinal dystrophy. Last evaluated: 2018-01-01. Review status: criteria provided, single submitter. Criteria: ACMG Guidelines, 2015. Collection method: clinical testing. Allele origin: germline. Affected: yes.

NIHR Bioresource Rare Diseases, University of Cambridge
Classification: Likely pathogenic for Retinitis pigmentosa. Last evaluated: 2015-01-01. Review status: no assertion criteria provided. Collection method: research. Allele origin: unknown. Affected: yes. Observed: 2 variant alleles. Not counted in ClinVar's aggregate classification.

Literature cited by the submitters: PubMed 28041643 (cited by 5 submitters); PubMed 31856884 (cited by 4 submitters); PubMed 32581362 (cited by Institute of Human Genetics, Univ. Regensburg, Univ. Regensburg); PubMed 32531858 (cited by Institute of Human Genetics, Univ. Regensburg, Univ. Regensburg).

NM_001031710.3(KLHL7):c.433A>G (p.Asn145Asp)

Gene: KLHL7 (kelch like family member 7; plus strand). Cytogenetic location: 7p15.3.
Variant type: single nucleotide variant.
Coding change: c.433A>G on transcript NM_001031710.3 (MANE Select); coding-DNA position 433, A replaced by G.
Protein change: p.Asn145Asp; replaces asparagine 145 with aspartic acid.
Molecular consequence: missense variant. On other transcripts: non-coding transcript variant (2).
Genome position (GRCh38, 1-based): chr7:23,125,163, A>G. VCF-style: chr7-23125163-A-G. GRCh37 (hg19) VCF-style: chr7-23164782-A-G.
Other names: c.433A>G, p.Asn145Asp (NM_001172428.2); c.289A>G, p.Asn97Asp (NM_018846.5); short protein forms N145D, N97D.
Identifiers: ClinVar variation 438051 (VCV000438051.19), dbSNP rs1182983579, ClinGen allele CA16609620.
Genomic context (GRCh38, chr7:23,125,163, plus strand): 5'-CAGATTGAACCTGTGAAGAAAATGTGTGTTGATTTTTTGAAAGAACAAGTTGATGCTTCA[A>G]ATTGTCTTGGTAAGAAATATCAGATTCCTGTTGTGTGTTTATTTTGTTTTATCCTTTATT-3'
Protein context (NP_001026880.2, residues 135-155): DFLKEQVDAS[Asn145Asp]CLGISVLAEC